The following is an entry in ClinVar:

ClinVar aggregate classification (germline): Uncertain significance (1 of 4 stars; one submission).

Conditions:
Cerebral arteriopathy, autosomal dominant, with subcortical infarcts and leukoencephalopathy, type 1 (CADASIL1). Also called: DEMENTIA, HEREDITARY MULTIINFARCT TYPE; CADASIL 1; CASIL; Cerebral arteriopathy with subcortical infarcts and leukoencephalopathy 1. Identifiers: Orphanet 136, MedGen C4551768, MONDO:0000914, OMIM 125310.

Submission:

MGZ Medical Genetics Center
Classification: Uncertain significance for Cerebral arteriopathy, autosomal dominant, with subcortical infarcts and leukoencephalopathy, type 1. Last evaluated: 2021-12-28. Review status: criteria provided, single submitter. Criteria: ACMG Guidelines, 2015. Collection method: clinical testing. Allele origin: germline. Affected: yes. Observed: 1 variant allele.
Comment: ACMG criteria applied: PM1, PM2_SUP, PP2

NM_000435.3(NOTCH3):c.1427G>A (p.Ser476Asn)

Gene: NOTCH3 (notch receptor 3; minus strand). Cytogenetic location: 19p13.12.
Variant type: single nucleotide variant.
Coding change: c.1427G>A on transcript NM_000435.3 (MANE Select); coding-DNA position 1427, G replaced by A.
Protein change: p.Ser476Asn; replaces serine 476 with asparagine.
Molecular consequence: missense variant.
Genome position (GRCh38, 1-based): chr19:15,188,300, C>T on the plus strand (G>A on the coding strand, the complement: NOTCH3 is on the minus strand). VCF-style: chr19-15188300-C-T. GRCh37 (hg19) VCF-style: chr19-15299111-C-T.
Other names: short protein forms S476N.
Identifiers: ClinVar variation 1708950 (VCV001708950.2), dbSNP rs1425725903, ClinGen allele CA404527044.